The following is an entry in ClinVar:

ClinVar aggregate classification (germline): Uncertain significance. Review status: criteria provided, multiple submitters, no conflicts (2 of 4 stars). 3 submissions from 3 submitters: Uncertain significance (3). Last evaluated 2024-03-07.

Conditions:
Cardiomyopathy (CMYO). Also called: Cardiomyopathies. Identifiers: Orphanet 167848, MedGen C0878544, MONDO:0004994, HP:0001638. Inheritance: Various modes of inheritance.
Hypertrophic cardiomyopathy. Also called: HYPERTROPHIC MYOCARDIOPATHY. Identifiers: Orphanet 217569, MedGen C0007194, MeSH D002312, MONDO:0005045, HP:0001639.

Submissions (3):

Color Diagnostics, LLC DBA Color Health
Classification: Uncertain significance for Cardiomyopathy. Last evaluated: 2024-03-07. Review status: criteria provided, single submitter. Criteria: ACMG Guidelines, 2015. Collection method: clinical testing. Allele origin: germline.
Comment: This missense variant replaces isoleucine with threonine at codon 1049 of the MYBPC3 protein. Computational prediction suggests that this variant may not impact protein structure and function (internally defined REVEL score threshold <= 0.5, PMID: 27666373). To our knowledge, functional studies have not been reported for this variant. This variant has not been reported in individuals affected with MYBPC3-related disorders in the literature. This variant has not been identified in the general population by the Genome Aggregation Database (gnomAD). The available evidence is insufficient to determine the role of this variant in disease conclusively. Therefore, this variant is classified as a Variant of Uncertain Significance.

All of Us Research Program, National Institutes of Health
Classification: Uncertain significance for Hypertrophic cardiomyopathy. Last evaluated: 2023-06-26. Review status: criteria provided, single submitter. Criteria: ACMG Guidelines, 2015. Collection method: clinical testing. Allele origin: germline. Inheritance: Autosomal dominant inheritance. Observed: 1 variant allele, 1 heterozygote.
Comment: This missense variant replaces isoleucine with threonine at codon 1049 of the MYBPC3 protein. Computational prediction suggests that this variant may not impact protein structure and function (internally defined REVEL score threshold <= 0.5, PMID: 27666373). To our knowledge, functional studies have not been reported for this variant. This variant has not been reported in individuals affected with MYBPC3-related disorders in the literature. This variant has not been identified in the general population by the Genome Aggregation Database (gnomAD). The available evidence is insufficient to determine the role of this variant in disease conclusively. Therefore, this variant is classified as a Variant of Uncertain Significance.

This study involves interpretation of variants in research participants for the purpose of population health screening. Participant phenotype was not available at the time of variant classification. Additional details can be found in publication PMID: 35346344, PMCID: PMC8962531

Blueprint Genetics
Classification: Uncertain significance. Last evaluated: 2017-08-15. Review status: criteria provided, single submitter. Criteria: ACMG Guidelines, 2015. Collection method: clinical testing. Allele origin: germline.

NM_000256.3(MYBPC3):c.3146T>C (p.Ile1049Thr)

Gene: MYBPC3 (myosin binding protein C3; minus strand). Cytogenetic location: 11p11.2.
Variant type: single nucleotide variant.
Coding change: c.3146T>C on transcript NM_000256.3 (MANE Select); coding-DNA position 3146, T replaced by C.
Protein change: p.Ile1049Thr; replaces isoleucine 1049 with threonine.
Molecular consequence: missense variant.
Genome position (GRCh38, 1-based): chr11:47,333,601, A>G on the plus strand (T>C on the coding strand, the complement: MYBPC3 is on the minus strand). VCF-style: chr11-47333601-A-G. GRCh37 (hg19) VCF-style: chr11-47355152-A-G.
Other names: short protein forms I1049T.
Identifiers: ClinVar variation 2773709 (VCV002773709.4), dbSNP rs2095879451, ClinGen allele CA380314856.